The following is an entry in ClinVar:

ClinVar aggregate classification (germline): Conflicting classifications of pathogenicity. Review status: criteria provided, conflicting classifications (1 of 4 stars). 6 submissions from 5 submitters: Uncertain significance (2); Likely benign (4). Last evaluated 2024-09-23.

Conditions:
Cardiovascular phenotype. Identifiers: MedGen CN230736.
Hypobetalipoproteinemia. Identifiers: Orphanet 31154, MedGen C0020597, MONDO:0017774.
Familial hypercholesterolemia. Also called: Familial hypercholesterolemias; Familial hypercholesterolaemia. Identifiers: MedGen C0020445, MONDO:0005439.
Hypercholesterolemia, autosomal dominant, 3 (FHCL3). Also called: PCSK9-Related Familial Hypercholesterolemia, Autosomal Dominant; Familial hypercholesterolemia 3; Familial Hypercholesterolemia, Autosomal Dominant, 3. Identifiers: MedGen C1863551, MONDO:0011369, OMIM 603776.

Allele frequency attached by ClinVar (database versions not stated): TOPMed below 0.00001.

Submissions (6):

All of Us Research Program, National Institutes of Health
Classification: Likely benign for Hypercholesterolemia, autosomal dominant, 3. Last evaluated: 2024-09-23. Review status: criteria provided, single submitter. Criteria: ACMG Guidelines, 2015. Collection method: clinical testing. Allele origin: germline. Inheritance: Autosomal dominant inheritance. Observed: 1 variant allele, 1 heterozygote.
Comment: This study involves interpretation of variants in research participants for the purpose of population health screening. Participant phenotype was not available at the time of variant classification. Additional details can be found in publication PMID: 35346344, PMCID: PMC8962531

Women's Health and Genetics/Laboratory Corporation of America, LabCorp
Classification: Likely benign. Last evaluated: 2023-08-12. Review status: criteria provided, single submitter. Criteria: LabCorp Variant Classification Summary - May 2015. Collection method: clinical testing. Allele origin: germline.

Ambry Genetics
Classification: Likely benign for Cardiovascular phenotype. Last evaluated: 2020-11-09. Review status: criteria provided, single submitter. Criteria: Ambry Variant Classification Scheme 2023. Collection method: clinical testing. Allele origin: germline.

Illumina Laboratory Services, Illumina
Classification: Uncertain significance for Hypercholesterolemia, autosomal dominant, 3. Last evaluated: 2018-01-13. Review status: criteria provided, single submitter. Criteria: ICSL Variant Classification Criteria 13 December 2019. Collection method: clinical testing. Allele origin: germline.

Illumina Laboratory Services, Illumina
Classification: Uncertain significance for Hypobetalipoproteinemia. Last evaluated: 2018-01-13. Review status: criteria provided, single submitter. Criteria: ICSL Variant Classification Criteria 13 December 2019. Collection method: clinical testing. Allele origin: germline.

Color Diagnostics, LLC DBA Color Health
Classification: Likely benign for Familial hypercholesterolemia. Last evaluated: 2017-06-01. Review status: criteria provided, single submitter. Criteria: ACMG Guidelines, 2015. Collection method: clinical testing. Allele origin: germline.

NM_174936.4(PCSK9):c.1332G>A (p.Leu444=)

Gene: PCSK9 (proprotein convertase subtilisin/kexin type 9; plus strand). Cytogenetic location: 1p32.3.
Variant type: single nucleotide variant.
Coding change: c.1332G>A on transcript NM_174936.4 (MANE Select); coding-DNA position 1332, G replaced by A.
Protein change: p.Leu444=; no amino-acid change (leucine 444 retained).
Molecular consequence: synonymous variant.
Genome position (GRCh38, 1-based): chr1:55,058,187, G>A. VCF-style: chr1-55058187-G-A. GRCh37 (hg19) VCF-style: chr1-55523860-G-A.
Identifiers: ClinVar variation 297702 (VCV000297702.10), dbSNP rs886046433, ClinGen allele CA10610498.